The following is an entry in ClinVar:

NM_000458.4(HNF1B):c.1654-4G>A

Gene: HNF1B (HNF1 homeobox B; minus strand). Cytogenetic location: 17q12.
Variant type: single nucleotide variant.
Coding change: c.1654-4G>A on transcript NM_000458.4 (MANE Select); 4 bases into the intron before coding-DNA position 1654, G replaced by A.
Molecular consequence: intron variant.
Genome position (GRCh38, 1-based): chr17:37,687,396, C>T on the plus strand (G>A on the coding strand, the complement: HNF1B is on the minus strand). VCF-style: chr17-37687396-C-T. GRCh37 (hg19) VCF-style: chr17-36047399-C-T.
Other names: c.1262-4G>A (NM_001304286.2); c.1576-4G>A (NM_001165923.4).
Identifiers: ClinVar variation 36844 (VCV000036844.17), dbSNP rs193922485, ClinGen allele CA214354.
Genomic context (GRCh38, chr17:37,687,396, plus strand): 5'-CTTGTTGTTGCGCACGAAGTAAGTGGTGTGTGGGCATCACCAGGCTTGTAGAGGACACTG[C>T]AGAGAGAGAGGAGAGAGGGTGCTCAGCTGTGTCATTTGGCAGGGTCATGGGCCATTAGTT-3'

ClinVar aggregate classification (germline): Conflicting classifications of pathogenicity. Review status: criteria provided, conflicting classifications (1 of 4 stars). 7 submissions from 7 submitters: Uncertain significance (3); Likely benign (4). Last evaluated 2026-01-10.

Conditions:
Maturity-onset diabetes of the young (MODY). Also called: Maturity onset diabetes mellitus in young. Identifiers: Orphanet 552, MedGen C0342276, MONDO:0018911, HP:0004904.

Allele frequency attached by ClinVar (database versions not stated): TOPMed 0.00002; gnomAD 0.00005.

Submissions (7):

Labcorp Genetics (formerly Invitae), Labcorp
Classification: Likely benign. Last evaluated: 2026-01-10. Review status: criteria provided, single submitter. Criteria: Invitae Variant Classification Sherloc (09022015). Collection method: clinical testing. Allele origin: germline.

Women's Health and Genetics/Laboratory Corporation of America, LabCorp
Classification: Likely benign. Last evaluated: 2025-04-30. Review status: criteria provided, single submitter. Criteria: LabCorp Variant Classification Summary - May 2015. Collection method: clinical testing. Allele origin: germline.
Comment: Variant summary: HNF1B c.1654-4G>A alters a non-conserved nucleotide located at a position not widely known to affect splicing. Consensus agreement among computation tools predict no significant impact on normal splicing. However, these predictions have yet to be confirmed by functional studies. The variant allele was found at a frequency of 4e-06 in 251054 control chromosomes. The available data on variant occurrences in the general population are insufficient to allow any conclusion about variant significance. To our knowledge, no occurrence of c.1654-4G>A in individuals affected with Maturity Onset Diabetes Of The Young 5 (Renal Cysts And Diabetes Syndrome) and no experimental evidence demonstrating its impact on protein function have been reported. ClinVar contains an entry for this variant (Variation ID: 36844). Based on the evidence outlined above, the variant was classified as likely benign.

Blueprint Genetics
Classification: Likely benign. Last evaluated: 2024-11-01. Review status: criteria provided, single submitter. Criteria: ACMG Guidelines, 2015. Collection method: clinical testing. Allele origin: germline.

Ambry Genetics
Classification: Uncertain significance for Maturity-onset diabetes of the young. Last evaluated: 2021-07-25. Review status: criteria provided, single submitter. Criteria: Ambry Variant Classification Scheme 2023. Collection method: clinical testing. Allele origin: germline.
Comment: The c.1654-4G>A intronic variant results from a G to A substitution 4 nucleotides upstream from coding exon 9 in the HNF1B gene. This nucleotide position is not well conserved in available vertebrate species. In silico splice site analysis predicts that this alteration will not have any significant effect on splicing. Since supporting evidence is limited at this time, the clinical significance of this alteration remains unclear.

Athena Diagnostics
Classification: Uncertain significance. Last evaluated: 2020-02-12. Review status: criteria provided, single submitter. Criteria: Athena Diagnostics Criteria. Collection method: clinical testing. Allele origin: unknown.

Eurofins Ntd Llc (ga)
Classification: Uncertain significance. Last evaluated: 2017-07-12. Review status: criteria provided, single submitter. Criteria: EGL Classification Definitions 2015. Collection method: clinical testing. Allele origin: germline. Observed: 1 variant allele, 1 heterozygote.

Clinical Genomics, Uppaluri K&H Personalized Medicine Clinic
Classification: Likely benign for Maturity-onset diabetes of the young. Review status: criteria provided, single submitter. Criteria: K & H Uppaluri Personalized Medicine Clinic Variant Classification & Assertion Criteria_Updated V.1. Collection method: research. Allele origin: unknown. Inheritance: Autosomal dominant inheritance.
Comment: HNF1B gene mutations are associated with early onset diabetes and pancreatic atrophy. It is also associated with multiple renal manifestations including renal cysts, Tubulointerstitial disease, glomerulocystic disease, renal hypoplasia, hypomagnesemia. However no sufficient evidence is found to ascertain the role of this particular variant rs193922485, yet.

Literature cited by the submitters: PubMed 24897035 (cited by Clinical Genomics, Uppaluri K&H Personalized Medicine Clinic); PubMed 25536396 (cited by Clinical Genomics, Uppaluri K&H Personalized Medicine Clinic); PubMed 27615128 (cited by Clinical Genomics, Uppaluri K&H Personalized Medicine Clinic); PubMed 28215227 (cited by Clinical Genomics, Uppaluri K&H Personalized Medicine Clinic); PubMed 33434175 (cited by Clinical Genomics, Uppaluri K&H Personalized Medicine Clinic); PubMed 25741167 (cited by Clinical Genomics, Uppaluri K&H Personalized Medicine Clinic); PubMed 26340261 (cited by Clinical Genomics, Uppaluri K&H Personalized Medicine Clinic); PubMed 19639018 (cited by Clinical Genomics, Uppaluri K&H Personalized Medicine Clinic).